The following is an entry in ClinVar:

ClinVar aggregate classification (germline): Uncertain significance (1 of 4 stars; one submission).

Conditions:
Kleefstra syndrome 2 (KLEFS2). Identifiers: MedGen C4540395, MONDO:0054701, OMIM 617768.

Submission:

Juno Genomics, Hangzhou Juno Genomics, Inc
Classification: Uncertain significance for Kleefstra syndrome 2. Review status: criteria provided, single submitter. Criteria: ACMG Guidelines, 2015. Collection method: clinical testing. Allele origin: germline.
Comment: Absent from controls (or at extremely low frequency if recessive) in Genome Aggregation Database.;Missense variant in a gene that has a low rate of benign missense variation.

NM_170606.3(KMT2C):c.8171C>T (p.Thr2724Ile)

Gene: KMT2C (lysine methyltransferase 2C; minus strand). Cytogenetic location: 7q36.1.
Variant type: single nucleotide variant.
Coding change: c.8171C>T on transcript NM_170606.3 (MANE Select); coding-DNA position 8171, C replaced by T.
Protein change: p.Thr2724Ile; replaces threonine 2724 with isoleucine.
Molecular consequence: missense variant.
Genome position (GRCh38, 1-based): chr7:152,177,282, G>A on the plus strand (C>T on the coding strand, the complement: KMT2C is on the minus strand). VCF-style: chr7-152177282-G-A. GRCh37 (hg19) VCF-style: chr7-151874367-G-A.
Other names: short protein forms T2724I.
Identifiers: ClinVar variation 5007183 (VCV005007183.2).
Genomic context (GRCh38, chr7:152,177,282, plus strand): 5'-TTGGGATCATTAGTTTCCAAATTATCTAAAGTATCCAATTCAACTACCTTGCCATCCTCT[G>A]TATCTAAATTTAAGTTTTCAAGATCTTCATCATCTAAGTCTTTGACTTCAACCCCCTCAA-3'
Protein context (NP_733751.2, residues 2714-2734): DEDLENLNLD[Thr2724Ile]EDGKVVELDT